The following is an entry in ClinVar:

ClinVar aggregate classification (germline): Uncertain significance (1 of 4 stars; one submission).

Allele frequency attached by ClinVar (database versions not stated): gnomAD exomes below 0.00001; TOPMed below 0.00001.
gnomAD v4.1: 2 of 1,614,156 alleles (0.00012%); highest among the groups gnomAD compares: Non-Finnish European, 0.00017%; no homozygotes.

Submission:

GeneDx
Classification: Uncertain significance. Last evaluated: 2019-12-19. Review status: criteria provided, single submitter. Criteria: GeneDx Variant Classification Process June 2021. Collection method: clinical testing. Allele origin: germline. Affected: yes.
Comment: Not observed in large population cohorts (Lek et al., 2016); In silico analysis, which includes protein predictors and evolutionary conservation, supports that this variant does not alter protein structure/function; Has not been previously published as pathogenic or benign to our knowledge

NM_198173.3(GRHL3):c.1318G>A (p.Gly440Ser)

Gene: GRHL3 (grainyhead like transcription factor 3; plus strand). Cytogenetic location: 1p36.11.
Variant type: single nucleotide variant.
Coding change: c.1318G>A on transcript NM_198173.3 (MANE Select); coding-DNA position 1318, G replaced by A.
Protein change: p.Gly440Ser; replaces glycine 440 with serine.
Molecular consequence: missense variant.
Genome position (GRCh38, 1-based): chr1:24,342,924, G>A. VCF-style: chr1-24342924-G-A. GRCh37 (hg19) VCF-style: chr1-24669414-G-A.
Other names: c.1180G>A, p.Gly394Ser (NM_001195010.2); c.1333G>A, p.Gly445Ser (NM_021180.4); c.1318G>A, p.Gly440Ser (NM_198174.3); short protein forms G394S, G440S, G445S.
Identifiers: ClinVar variation 1310471 (VCV001310471.2), dbSNP rs1640104624, ClinGen allele CA339048360.